The following is an entry in ClinVar:

ClinVar aggregate classification (germline): Uncertain significance (1 of 4 stars; one submission).

Submission:

Labcorp Genetics (formerly Invitae), Labcorp
Classification: Uncertain significance. Last evaluated: 2021-10-29. Review status: criteria provided, single submitter. Criteria: Invitae Variant Classification Sherloc (09022015). Collection method: clinical testing. Allele origin: germline.
Comment: In summary, the available evidence is currently insufficient to determine the role of this variant in disease. Therefore, it has been classified as a Variant of Uncertain Significance. Algorithms developed to predict the effect of missense changes on protein structure and function (SIFT, PolyPhen-2, Align-GVGD) all suggest that this variant is likely to be tolerated. This variant has not been reported in the literature in individuals affected with PITPNM3-related conditions. This variant is not present in population databases (gnomAD no frequency). This sequence change replaces glycine, which is neutral and non-polar, with arginine, which is basic and polar, at codon 538 of the PITPNM3 protein (p.Gly538Arg).

NM_031220.4(PITPNM3):c.1612G>C (p.Gly538Arg)

Gene: PITPNM3 (PITPNM family member 3; minus strand). Cytogenetic location: 17p13.2.
Variant type: single nucleotide variant.
Coding change: c.1612G>C on transcript NM_031220.4 (MANE Select); coding-DNA position 1612, G replaced by C.
Protein change: p.Gly538Arg; replaces glycine 538 with arginine.
Molecular consequence: missense variant.
Genome position (GRCh38, 1-based): chr17:6,471,173, C>G on the plus strand (G>C on the coding strand, the complement: PITPNM3 is on the minus strand). VCF-style: chr17-6471173-C-G. GRCh37 (hg19) VCF-style: chr17-6374493-C-G.
Other names: c.1504G>C, p.Gly502Arg (NM_001165966.2); short protein forms G502R, G538R.
Identifiers: ClinVar variation 1348222 (VCV001348222.6), dbSNP rs2150725044, ClinGen allele CA397404913.